The following is an entry in ClinVar:

ClinVar aggregate classification (germline): Uncertain significance (1 of 4 stars; one submission).

Conditions:
Inflammatory bowel disease 25. Also called: Inflammatory bowel disease 25, early onset, autosomal recessive. Identifiers: Orphanet 238569, MedGen C2675508, MONDO:0012941, OMIM 612567.

Allele frequency attached by ClinVar (database versions not stated): gnomAD exomes below 0.00001; ExAC 0.00001; gnomAD 0.00001; TOPMed 0.00003; 1000 Genomes Project 30x 0.00016; 1000 Genomes Project 0.00020.
gnomAD v4.1: 4 of 1,614,158 alleles (0.00025%); highest among the groups gnomAD compares: Admixed American, 0.0033%; no homozygotes.

Submission:

Labcorp Genetics (formerly Invitae), Labcorp
Classification: Uncertain significance for Inflammatory bowel disease 25. Last evaluated: 2022-07-06. Review status: criteria provided, single submitter. Criteria: Invitae Variant Classification Sherloc (09022015). Collection method: clinical testing. Allele origin: germline.
Comment: In summary, the available evidence is currently insufficient to determine the role of this variant in disease. Therefore, it has been classified as a Variant of Uncertain Significance. Algorithms developed to predict the effect of missense changes on protein structure and function are either unavailable or do not agree on the potential impact of this missense change (SIFT: "Deleterious"; PolyPhen-2: "Possibly Damaging"; Align-GVGD: "Class C15"). This variant has not been reported in the literature in individuals affected with IL10RB-related conditions. This variant is present in population databases (rs561783785, gnomAD 0.008%). This sequence change replaces lysine, which is basic and polar, with glutamic acid, which is acidic and polar, at codon 200 of the IL10RB protein (p.Lys200Glu).

NM_000628.5(IL10RB):c.598A>G (p.Lys200Glu)

Genes: IL10RB (interleukin 10 receptor subunit beta; plus strand), IFNAR2-IL10RB (IFNAR2-IL10RB readthrough; plus strand). Cytogenetic location: 21q22.11.
Variant type: single nucleotide variant.
Coding change: c.598A>G on transcript NM_000628.5 (MANE Select); coding-DNA position 598, A replaced by G.
Protein change: p.Lys200Glu; replaces lysine 200 with glutamic acid.
Molecular consequence: missense variant. On other transcripts: non-coding transcript variant (1).
Genome position (GRCh38, 1-based): chr21:33,283,193, A>G. VCF-style: chr21-33283193-A-G. GRCh37 (hg19) VCF-style: chr21-34655498-A-G.
Other names: c.1258A>G, p.Lys420Glu (NM_001414505.1); c.598A>G, p.Lys200Glu (NM_001405849.1, NM_001405850.1, NM_001406840.1); short protein forms K200E, K420E.
Identifiers: ClinVar variation 2061188 (VCV002061188.4), dbSNP rs561783785, ClinGen allele CA10006175.